The following is an entry in ClinVar:

NM_002693.3(POLG):c.3501del (p.Lys1167fs)

Gene: POLG (DNA polymerase gamma, catalytic subunit; minus strand). Cytogenetic location: 15q26.1.
Variant type: Deletion.
Coding change: c.3501del on transcript NM_002693.3 (MANE Select); coding-DNA position 3501, one base deleted (G; older notation c.3501delG).
Protein change: p.Lys1167fs; shifts the reading frame from lysine 1167.
Molecular consequence: frameshift variant.
Genome position (GRCh38, 1-based): chr15:89,317,518, C deleted on the plus strand (G on the coding strand, the reverse complement: POLG is on the minus strand). VCF-style (leftmost placement, unchanged base first): chr15-89317517-GC-G. GRCh37 (hg19) VCF-style: chr15-89860748-GC-G.
Other names: c.3501del, p.Lys1167fs (NM_001126131.2); short protein forms K1167fs.
Identifiers: ClinVar variation 2827984 (VCV002827984.3), dbSNP rs2509186369, ClinGen allele CA2739269729.

ClinVar aggregate classification (germline): Pathogenic (1 of 4 stars; one submission).

Conditions:
Progressive sclerosing poliodystrophy (MTDPS4A). Also called: ALPERS PROGRESSIVE INFANTILE POLIODYSTROPHY; NEURONAL DEGENERATION OF CHILDHOOD WITH LIVER DISEASE, PROGRESSIVE; Alpers Syndrome; ALPERS DIFFUSE DEGENERATION OF CEREBRAL GRAY MATTER WITH HEPATIC CIRRHOSIS; Alpers-Huttenlocher Syndrome; Mitochondrial DNA Depletion Syndrome 4A. Identifiers: Orphanet 726, MedGen C0205710, MONDO:0008758, OMIM 203700.

Submission:

Labcorp Genetics (formerly Invitae), Labcorp
Classification: Pathogenic for Progressive sclerosing poliodystrophy. Last evaluated: 2023-01-12. Review status: criteria provided, single submitter. Criteria: Invitae Variant Classification Sherloc (09022015). Collection method: clinical testing. Allele origin: germline.
Comment: This sequence change creates a premature translational stop signal (p.Lys1167Asnfs*4) in the POLG gene. It is expected to result in an absent or disrupted protein product. Loss-of-function variants in POLG are known to be pathogenic (PMID: 18546365). For these reasons, this variant has been classified as Pathogenic. This variant has not been reported in the literature in individuals affected with POLG-related conditions. This variant is not present in population databases (gnomAD no frequency).

Literature cited by the submitters: PubMed 18546365.